The following is an entry in ClinVar:

ClinVar aggregate classification (germline): Uncertain significance. Review status: criteria provided, multiple submitters, no conflicts (2 of 4 stars). 2 submissions from 2 submitters: Uncertain significance (2). Last evaluated 2025-12-17.

Allele frequency attached by ClinVar (database versions not stated): 1000 Genomes Project 30x 0.00016; gnomAD 0.00018; TOPMed 0.00019.
gnomAD v4.1: 60 of 1,614,124 alleles (0.0037%); highest among the groups gnomAD compares: African/African-American, 0.067%; no homozygotes.

Submissions (2):

Labcorp Genetics (formerly Invitae), Labcorp
Classification: Uncertain significance. Last evaluated: 2025-12-17. Review status: criteria provided, single submitter. Criteria: Invitae Variant Classification Sherloc (09022015). Collection method: clinical testing. Allele origin: germline.
Comment: This sequence change replaces lysine, which is basic and polar, with arginine, which is basic and polar, at codon 688 of the HYOU1 protein (p.Lys688Arg). This variant is present in population databases (rs199521624, gnomAD 0.06%), and has an allele count higher than expected for a pathogenic variant. This variant has not been reported in the literature in individuals affected with HYOU1-related conditions. ClinVar contains an entry for this variant (Variation ID: 2416494). An algorithm developed to predict the effect of missense changes on protein structure and function (PolyPhen-2) suggests that this variant is likely to be tolerated. In summary, the available evidence is currently insufficient to determine the role of this variant in disease. Therefore, it has been classified as a Variant of Uncertain Significance.

Ambry Genetics
Classification: Uncertain significance. Last evaluated: 2025-10-18. Review status: criteria provided, single submitter. Criteria: Ambry Variant Classification Scheme 2023. Collection method: clinical testing. Allele origin: germline.

NM_006389.5(HYOU1):c.2063A>G (p.Lys688Arg)

Gene: HYOU1 (hypoxia up-regulated 1; minus strand). Cytogenetic location: 11q23.3.
Variant type: single nucleotide variant.
Coding change: c.2063A>G on transcript NM_006389.5 (MANE Select); coding-DNA position 2063, A replaced by G.
Protein change: p.Lys688Arg; replaces lysine 688 with arginine.
Molecular consequence: missense variant.
Genome position (GRCh38, 1-based): chr11:119,048,816, T>C on the plus strand (A>G on the coding strand, the complement: HYOU1 is on the minus strand). VCF-style: chr11-119048816-T-C. GRCh37 (hg19) VCF-style: chr11-118919528-T-C.
Other names: c.2063A>G, p.Lys688Arg (NM_001130991.3, NM_001411041.1); c.2063A>G (NM_006389.3); short protein forms K688R.
Identifiers: ClinVar variation 2416494 (VCV002416494.7), dbSNP rs199521624, ClinGen allele CA229619295.
Genomic context (GRCh38, chr11:119,048,816, plus strand): 5'-AGGTCCAGAACAACCAGCTCCACCCCGATCTCCTCTACCATTCGCCGCTTCCTGGCGGGC[T>C]TCTGCTTCTTCTCTCCCTCTGGGGCTGGAGCGACGCCCTCAGGCCCTGCCTCTGCCTTCT-3'
Protein context (NP_006380.1, residues 678-698): APAPEGEKKQ[Lys688Arg]PARKRRMVEE